The following is an entry in ClinVar:

NM_000264.5(PTCH1):c.1354T>A (p.Tyr452Asn)

Gene: PTCH1 (patched 1; minus strand). Cytogenetic location: 9q22.32.
Variant type: single nucleotide variant.
Coding change: c.1354T>A on transcript NM_000264.5 (MANE Select); coding-DNA position 1354, T replaced by A.
Protein change: p.Tyr452Asn; replaces tyrosine 452 with asparagine.
Molecular consequence: missense variant. On other transcripts: non-coding transcript variant (1), intron variant (1).
Genome position (GRCh38, 1-based): chr9:95,477,696, A>T on the plus strand (T>A on the coding strand, the complement: PTCH1 is on the minus strand). VCF-style: chr9-95477696-A-T. GRCh37 (hg19) VCF-style: chr9-98239978-A-T.
Other names: c.1156T>A, p.Tyr386Asn (NM_001083602.3); c.1351T>A, p.Tyr451Asn (NM_001083603.3); c.901T>A, p.Tyr301Asn (NM_001083604.3, NM_001083605.3, NM_001083606.3 and 1 more transcripts); c.1347+359T>A (NM_001354918.2); short protein forms Y386N, Y452N, Y301N, Y451N.
Identifiers: ClinVar variation 2564410 (VCV002564410.3), dbSNP rs2538206201, ClinGen allele CA374118675.

ClinVar aggregate classification (germline): Uncertain significance (1 of 4 stars; one submission).

Conditions:
Hereditary cancer-predisposing syndrome. Also called: Hereditary Cancer Syndrome; Hereditary neoplastic syndrome; Neoplastic Syndromes, Hereditary; Tumor predisposition. Identifiers: Orphanet 140162, MedGen C0027672, MeSH D009386, MONDO:0015356.

Submission:

Ambry Genetics
Classification: Uncertain significance for Hereditary cancer-predisposing syndrome. Last evaluated: 2026-08-11. Review status: criteria provided, single submitter. Criteria: Ambry Variant Classification Scheme 2023. Collection method: clinical testing. Allele origin: germline.
Comment: The p.Y452N variant (also known as c.1354T>A), located in coding exon 10 of the PTCH1 gene, results from a T to A substitution at nucleotide position 1354. The tyrosine at codon 452 is replaced by asparagine, an amino acid with dissimilar properties. This amino acid position is conserved. In addition, this alteration is predicted to be deleterious by in silico analysis. Based on the available evidence, the clinical significance of this variant remains unclear.